The following is an entry in ClinVar:

ClinVar aggregate classification (germline): Uncertain significance (1 of 4 stars; one submission).

Submission:

GeneDx
Classification: Uncertain significance. Last evaluated: 2025-02-07. Review status: criteria provided, single submitter. Criteria: GeneDx Variant Classification Process June 2021. Collection method: clinical testing. Allele origin: germline.
Comment: In-frame deletion of 1 amino acid in a non-repeat region; In silico analysis supports a deleterious effect on protein structure/function; Has not been previously published as pathogenic or benign to our knowledge

NM_001379451.1(BCORL1):c.4976AAG[1] (p.Glu1660del)

Gene: BCORL1 (BCL6 corepressor like 1; plus strand). Cytogenetic location: Xq26.1.
Variant type: Microsatellite.
Coding change: c.4976AAG[1] on transcript NM_001379451.1 (MANE Select); one copy of the 3-base unit AAG starting at c.4976; the reference has two copies in a row; one copy, 3 bases deleted.
Protein change: p.Glu1660del; deletes glutamic acid 1660.
Molecular consequence: inframe deletion. On other transcripts: inframe indel (2).
Genome position (GRCh38, 1-based): chrX:130,051,920-130,051,922, AAG deleted; deleting any 3 consecutive bases within chrX:130,051,917-130,051,922 gives the same sequence; the position shown is the placement nearest the transcript's 3' end. VCF-style (leftmost placement, unchanged base first): chrX-130051916-CAAG-C. GRCh37 (hg19) VCF-style: chrX-129185891-CAAG-C.
Other names: c.4976AAG[1], p.Glu1660del (NM_001184772.3, NM_001379450.1); c.4754_4756AAG[1], p.Glu1586del (NM_021946.4); c.4754AAG[1], p.Glu1586del (NM_021946.5); c.4757_4759del (NM_021946.4); short protein forms E1586del, E1660del.
Identifiers: ClinVar variation 2663595 (VCV002663595.2), dbSNP rs1280968726, ClinGen allele CA644174436.